The following continues an entry in ClinVar:

NM_001368067.1(LDB3):c.494C>T (p.Ala165Val)

ClinVar aggregate classification (germline): Pathogenic/Likely pathogenic. Pathogenic (10); Likely pathogenic (1).

Submissions 10 to 13 of 13:

Laboratory for Molecular Medicine, Mass General Brigham Personalized Medicine
Classification: Pathogenic for Neuromuscular disease. Last evaluated: 2018-11-21. Review status: criteria provided, single submitter. Criteria: LMM Criteria. Collection method: clinical testing. Allele origin: germline. Observed: 1 variant allele.
Comment: The p.Ala165Val variant in LDB3 has been reported in at least 6 individuals with myofibrillar myopathy and segregated with disease in 9 affected individuals fro m 1 family (Selcen 2005, Griggs 2007, Fischer 2008, Vincent 2016, LMM data). It has also been identified in 1/113280 of European chromosomes by gnomAD and reported in ClinVar (Variant ID #4728). An in vitr o function study showed that this variant disrupted Ankrd2 binding (Martinelli 2 014) and a study of mouse myoblasts transfected with the p.Ala165Val mutation sh owed a disrution of Z-disc structure and an accumulation of F-actin (Lin 2014). In summary, this variant meets criteria to be classified as pathogenic for autos omal dominant myofibrillar myopathy. ACMG/AMP criteria applied: PP1_Strong, PM2, PS3_Moderate, PS4_Moderate.

Athena Diagnostics
Classification: Pathogenic. Last evaluated: 2014-12-09. Review status: criteria provided, single submitter. Criteria: Athena Diagnostics Criteria. Collection method: clinical testing. Allele origin: germline.

PreventionGenetics, part of Exact Sciences
Classification: Pathogenic for LDB3-related condition. Last evaluated: 2023-12-21. Review status: no assertion criteria provided. Collection method: clinical testing. Allele origin: germline. Not counted in ClinVar's aggregate classification.
Comment: The LDB3 c.494C>T variant is predicted to result in the amino acid substitution p.Ala165Val. This variant has been reported in individuals with myofibrillar myopathy and shown to segregate with disease in families (see, for example, Selcen and Engel. 2005. PubMed ID: 15668942; Griggs et al. 2007. PubMed ID: 17337483; Semmler et al. 2014. PubMed ID: 25208129). In vitro and in vivo experimental studies suggest this variant impacts protein function (Lin et al. 2014. PubMed ID: 24668811; Martinelli et al. 2014. PubMed ID: 24647531; Pathak et al. 2021. PubMed ID: 33742095). This variant is reported in 0.00088% of alleles in individuals of European (non-Finnish) descent in a large population database. This variant is interpreted as pathogenic.

Mitochondrial Research Group, Newcastle University
Classification: Pathogenic for Myofibrillar myopathy. Last evaluated: 2016-08-16. Review status: no assertion criteria provided. Collection method: clinical testing. Allele origin: unknown. Affected: yes. Observed: 1 variant allele. Not counted in ClinVar's aggregate classification.

Literature cited by the submitters: PubMed 15668942 (cited by 5 submitters); PubMed 25208129 (cited by 4 submitters); PubMed 24647531 (cited by 3 submitters); PubMed 24668811 (cited by 4 submitters); PubMed 17337483 (cited by 4 submitters); PubMed 18765652 (cited by 4 submitters); PubMed 19377068 (cited by 3 submitters); PubMed 21676617 (cited by Ambry Genetics); PubMed 27618136 (cited by Ambry Genetics and Laboratory for Molecular Medicine, Mass General Brigham Personalized Medicine); PubMed 28349680 (cited by Ambry Genetics and Laboratory for Molecular Medicine, Mass General Brigham Personalized Medicine); PubMed 33742095 (cited by Ambry Genetics and Illumina Laboratory Services, Illumina); DOI 10.1016/j.nmd.2016.08.004 (cited by Mitochondrial Research Group, Newcastle University).